The following is an entry in ClinVar:

ClinVar aggregate classification (germline): Uncertain significance. Review status: criteria provided, multiple submitters, no conflicts (2 of 4 stars). 4 submissions from 4 submitters: Uncertain significance (4). Last evaluated 2025-04-21.

Conditions:
Familial colorectal cancer type X. Identifiers: Orphanet 440437, MedGen C3896578, MONDO:0018604.
Hereditary cancer-predisposing syndrome. Also called: Hereditary neoplastic syndrome; Neoplastic Syndromes, Hereditary; Tumor predisposition; Hereditary Cancer Syndrome. Identifiers: Orphanet 140162, MedGen C0027672, MeSH D009386, MONDO:0015356.
Hereditary breast ovarian cancer syndrome. Also called: Hereditary breast and ovarian cancer syndrome (HBOC); Breast and ovarian cancer; Hereditary breast and/or ovarian cancer syndrome; BRCA1- and BRCA2-Associated Hereditary Breast and Ovarian Cancer; Hereditary breast and ovarian cancer syndrome; Hereditary breast and ovarian cancer. Identifiers: Orphanet 145, MedGen C0677776, MeSH D061325, MONDO:0003582. Disease mechanism: loss of function.

Allele frequency attached by ClinVar (database versions not stated): gnomAD exomes below 0.00001.
gnomAD v4.1: 1 of 1,613,748 alleles (0.000062%); highest among the groups gnomAD compares: East Asian, 0.0022%; no homozygotes.

Submissions (4):

Labcorp Genetics (formerly Invitae), Labcorp
Classification: Uncertain significance for Hereditary breast ovarian cancer syndrome. Last evaluated: 2025-04-21. Review status: criteria provided, single submitter. Criteria: Invitae Variant Classification Sherloc (09022015). Collection method: clinical testing. Allele origin: germline.
Comment: This sequence change replaces cysteine, which is neutral and slightly polar, with tyrosine, which is neutral and polar, at codon 2605 of the BRCA2 protein (p.Cys2605Tyr). This variant is not present in population databases (gnomAD no frequency). This missense change has been observed in individual(s) with breast cancer (PMID: 17100994, 22217648, 30415210). This variant is also known as c.8042G>A (p.C2605Y). ClinVar contains an entry for this variant (Variation ID: 185875). Invitae Evidence Modeling of protein sequence and biophysical properties (such as structural, functional, and spatial information, amino acid conservation, physicochemical variation, residue mobility, and thermodynamic stability) indicates that this missense variant is not expected to disrupt BRCA2 protein function with a negative predictive value of 95%. In summary, the available evidence is currently insufficient to determine the role of this variant in disease. Therefore, it has been classified as a Variant of Uncertain Significance.

Ambry Genetics
Classification: Uncertain significance for Hereditary cancer-predisposing syndrome. Last evaluated: 2024-05-09. Review status: criteria provided, single submitter. Criteria: Ambry Variant Classification Scheme 2023. Collection method: clinical testing. Allele origin: germline.
Comment: The p.C2605Y variant (also known as c.7814G>A), located in coding exon 16 of the BRCA2 gene, results from a G to A substitution at nucleotide position 7814. The cysteine at codon 2605 is replaced by tyrosine, an amino acid with highly dissimilar properties. This variant has been identified in multiple individuals diagnosed with breast and/or ovarian cancer (Han SH et al., Clin. Genet. 2006 Dec;70(6):496-501; Jang JH et al. J. Hum. Genet. 2012 Mar;57(3):212-5; Kim HK et al. J Hum Genet, 2020 Mar;65:209-220). This amino acid position is highly conserved in available vertebrate species. In addition, this alteration is predicted to be deleterious by in silico analysis. Based on the available evidence, the clinical significance of this variant remains unclear.

Department of Pathology and Laboratory Medicine, Sinai Health System
Classification: Uncertain significance for Familial colorectal cancer type X. Last evaluated: 2023-10-11. Review status: criteria provided, single submitter. Criteria: ACMG Guidelines, 2015. Collection method: clinical testing. Allele origin: germline. Affected: yes.

Color Diagnostics, LLC DBA Color Health
Classification: Uncertain significance for Hereditary cancer-predisposing syndrome. Last evaluated: 2019-06-05. Review status: criteria provided, single submitter. Criteria: ACMG Guidelines, 2015. Collection method: clinical testing. Allele origin: germline.

Literature cited by the submitters: PubMed 17100994 (cited by Labcorp Genetics (formerly Invitae), Labcorp and Department of Pathology and Laboratory Medicine, Sinai Health System); PubMed 22217648 (cited by Labcorp Genetics (formerly Invitae), Labcorp and Department of Pathology and Laboratory Medicine, Sinai Health System); PubMed 30415210 (cited by Labcorp Genetics (formerly Invitae), Labcorp and Department of Pathology and Laboratory Medicine, Sinai Health System); PubMed 31907386 (cited by Ambry Genetics); PubMed 27124784 (cited by Department of Pathology and Laboratory Medicine, Sinai Health System).

NM_000059.4(BRCA2):c.7814G>A (p.Cys2605Tyr)

Gene: BRCA2 (BRCA2 DNA repair associated; plus strand). Cytogenetic location: 13q13.1.
Variant type: single nucleotide variant.
Coding change: c.7814G>A on transcript NM_000059.4 (MANE Select); coding-DNA position 7814, G replaced by A.
Protein change: p.Cys2605Tyr; replaces cysteine 2605 with tyrosine.
Molecular consequence: missense variant.
Genome position (GRCh38, 1-based): chr13:32,362,531, G>A. VCF-style: chr13-32362531-G-A. GRCh37 (hg19) VCF-style: chr13-32936668-G-A.
Other names: short protein forms C2605Y.
Identifiers: ClinVar variation 185875 (VCV000185875.18), dbSNP rs786202527, ClinGen allele CA025296.